The following is an entry in ClinVar:

ClinVar aggregate classification (germline): Likely benign (0 of 4 stars; one submission).

Conditions:
CFTR-related disorder (CFTR-RD). Also called: CFTR-related condition; CFTR-related disorders. Identifiers: MedGen C5924204, MONDO:7770004.

Allele frequency attached by ClinVar (database versions not stated): gnomAD exomes 0.00007; TOPMed 0.00012; gnomAD 0.00016; 1000 Genomes Project 0.00020; 1000 Genomes Project 30x 0.00094.

Submission:

PreventionGenetics, part of Exact Sciences
Classification: Likely benign for CFTR-related condition. Last evaluated: 2021-12-30. Review status: no assertion criteria provided. Collection method: clinical testing. Allele origin: germline.
Comment: This variant is classified as likely benign based on ACMG/AMP sequence variant interpretation guidelines (Richards et al. 2015 PMID: 25741868, with internal and published modifications).

NC_000007.14:g.117479748G>C

Genes: CFTR (CF transmembrane conductance regulator; plus strand), LOC111674463 (CFTR promoter region; plus strand). Cytogenetic location: 7q31.2.
Variant type: single nucleotide variant.
Genome position: GRCh38 VCF-style: chr7-117479748-G-C. GRCh37 (hg19) VCF-style: chr7-117119802-G-C.
Identifiers: ClinVar variation 3031227 (VCV003031227.2), dbSNP rs576334053, ClinGen allele CA164948542.